The following is an entry in ClinVar:

ClinVar aggregate classification (germline): Pathogenic (1 of 4 stars; one submission).

Conditions:
DiGeorge syndrome. Also called: THIRD AND FOURTH PHARYNGEAL POUCH SYNDROME; Catch22. Identifiers: Orphanet 567, MedGen C0012236, MONDO:0008564, OMIM 188400.

Submission:

New York Genome Center
Classification: Pathogenic for DiGeorge syndrome. Last evaluated: 2024-03-18. Review status: criteria provided, single submitter. Criteria: NYGC Assertion Criteria 2020. Collection method: clinical testing. Allele origin: de novo. Affected: yes. Observed: 1 variant allele.
Comment: The ~2.3 Mb proximal 22q11.21 recurrent (DGS/VCFS) region (proximal, A-D) deletion contains 46 protein-coding genes,14 of which are disease-associated (includes TBX1). The 22q11.2 region contains a cluster of low copy repeats (LCRs) that mediate recurrent copy number changes through non-allelic homologous recombination. Proximal 22q11.2 rearrangements involve the centromeric LCR22A and either LCR22B (A-B) or LCR22D (A-D) both involving TBX1 (PMID:20301696). Deletion of the 22q11.2 proximal (A-D) region is associated with DiGeorge/Velocardiofacial (DGS/VCFS) syndrome (PMID: 20301696). Based on available evidence this heterozygous de novo 22q11.2 proximal (A-D) deletion is classified as Pathogenic.

GRCh38/hg38 22q11.21(chr22:18853135-21160634)x1

Genes: AIFM3 (AIF family member 3; plus strand), ARVCF (ARVCF delta catenin family member; minus strand), C22orf39 (chromosome 22 open reading frame 39; minus strand), CCDC188 (coiled-coil domain containing 188; minus strand), CDC45 (cell division cycle 45; plus strand) and 174 more. Cytogenetic location: 22q11.21.
Variant type: copy number loss.
Change: copy number 1 (one copy instead of two) of chr22:18,853,135-21,160,634 (2.31 Mb, GRCh38 coordinates, 1-based), cytogenetic band 22q11.21.
Identifiers: ClinVar variation 4888368 (VCV004888368.1).